The following is an entry in ClinVar:

NM_014905.5(GLS):c.1651-10_1651-6del

Gene: GLS (glutaminase; plus strand). Cytogenetic location: 2q32.2.
Variant type: Microsatellite.
Coding change: c.1651-10_1651-6del on transcript NM_014905.5 (MANE Select); 10 bases into the intron before coding-DNA position 1651 through 6 bases into the intron before coding-DNA position 1651, 5 bases deleted (TTCTT; older notation c.1651-10_1651-6delTTCTT).
Molecular consequence: intron variant.
Genome position (GRCh38, 1-based): chr2:190,953,555-190,953,559, TTCTT deleted; deleting any 5 consecutive bases within chr2:190,953,549-190,953,559 gives the same sequence; the c. name uses the placement nearest the transcript's 3' end. VCF-style (leftmost placement, unchanged base first): chr2-190953548-CTTTCT-C. GRCh37 (hg19) VCF-style: chr2-191818274-CTTTCT-C.
Identifiers: ClinVar variation 3051203 (VCV003051203.2), dbSNP rs553636162, ClinGen allele CA2029598.
Genomic context (GRCh38, chr2:190,953,548, plus strand): 5'-ATCACTTGCCAGTGACAGGTGGACGTTGTATGTGTTTTCTCTCTCCTAAGGATGCCTAAA[CTTTCT>C]TTTCTTCACAGGTAAAGTCAGTGATAAATCTTTTGTTTGCTGCATATACTGGAGATGTGT-3'

ClinVar aggregate classification (germline): Likely benign (0 of 4 stars; one submission).

Conditions:
GLS-related disorder. Also called: GLS-related condition.

Submission:

PreventionGenetics, part of Exact Sciences
Classification: Likely benign for GLS-related condition. Last evaluated: 2020-02-26. Review status: no assertion criteria provided. Collection method: clinical testing. Allele origin: germline.
Comment: This variant is classified as likely benign based on ACMG/AMP sequence variant interpretation guidelines (Richards et al. 2015 PMID: 25741868, with internal and published modifications).